The following is an entry in ClinVar:

ClinVar aggregate classification (germline): Uncertain significance. Review status: criteria provided, multiple submitters, no conflicts (2 of 4 stars). 2 submissions from 2 submitters: Uncertain significance (2). Last evaluated 2025-06-15.

Conditions:
Blau syndrome (BLAUS). Also called: ARTHROCUTANEOUVEAL GRANULOMATOSIS; GRANULOMATOSIS, FAMILIAL JUVENILE SYSTEMIC; GRANULOMATOSIS, FAMILIAL, BLAU TYPE; GRANULOMATOUS INFLAMMATORY ARTHRITIS, DERMATITIS, AND UVEITIS, FAMILIAL; JABS SYNDROME. Identifiers: Orphanet 90340, MedGen C5201146, MONDO:0008523, OMIM 186580.
Regional enteritis. Also called: Enteritis, Granulomatous. Identifiers: MedGen C0678202, MeSH D003424.

Allele frequency attached by ClinVar (database versions not stated): gnomAD exomes 0.00001; TOPMed 0.00001; ExAC 0.00002.
gnomAD v4.1: 15 of 1,614,026 alleles (0.00093%); highest among the groups gnomAD compares: East Asian, 0.0067%; no homozygotes.

Submissions (2):

Labcorp Genetics (formerly Invitae), Labcorp
Classification: Uncertain significance for Regional enteritis; Blau syndrome. Last evaluated: 2025-06-15. Review status: criteria provided, single submitter. Criteria: Invitae Variant Classification Sherloc (09022015). Collection method: clinical testing. Allele origin: germline.
Comment: This sequence change replaces valine, which is neutral and non-polar, with methionine, which is neutral and non-polar, at codon 807 of the NOD2 protein (p.Val807Met). This variant is present in population databases (rs748522514, gnomAD 0.003%). This variant has not been reported in the literature in individuals affected with NOD2-related conditions. ClinVar contains an entry for this variant (Variation ID: 578510). Invitae Evidence Modeling of protein sequence and biophysical properties (such as structural, functional, and spatial information, amino acid conservation, physicochemical variation, residue mobility, and thermodynamic stability) has been performed for this missense variant. However, the output from this modeling did not meet the statistical confidence thresholds required to predict the impact of this variant on NOD2 protein function. In summary, the available evidence is currently insufficient to determine the role of this variant in disease. Therefore, it has been classified as a Variant of Uncertain Significance.

Blueprint Genetics
Classification: Uncertain significance. Last evaluated: 2023-07-19. Review status: criteria provided, single submitter. Criteria: ACMG Guidelines, 2015. Collection method: clinical testing. Allele origin: germline.

NM_001370466.1(NOD2):c.2338G>A (p.Val780Met)

Gene: NOD2 (nucleotide binding oligomerization domain containing 2; plus strand). Cytogenetic location: 16q12.1.
Variant type: single nucleotide variant.
Coding change: c.2338G>A on transcript NM_001370466.1 (MANE Select); coding-DNA position 2338, G replaced by A.
Protein change: p.Val780Met; replaces valine 780 with methionine.
Molecular consequence: missense variant. On other transcripts: non-coding transcript variant (1).
Genome position (GRCh38, 1-based): chr16:50,712,330, G>A. VCF-style: chr16-50712330-G-A. GRCh37 (hg19) VCF-style: chr16-50746241-G-A.
Other names: c.2338G>A, p.Val780Met (NM_001293557.2); c.2419G>A, p.Val807Met (NM_022162.3); short protein forms V807M, V780M.
Identifiers: ClinVar variation 578510 (VCV000578510.10), dbSNP rs748522514, ClinGen allele CA8051769.